The following is an entry in ClinVar:

ClinVar aggregate classification (germline): Uncertain significance (1 of 4 stars; one submission).

Submission:

Labcorp Genetics (formerly Invitae), Labcorp
Classification: Uncertain significance. Last evaluated: 2025-08-16. Review status: criteria provided, single submitter. Criteria: Invitae Variant Classification Sherloc (09022015). Collection method: clinical testing. Allele origin: germline.
Comment: This sequence change falls in intron 17 of the TANC2 gene. It does not directly change the encoded amino acid sequence of the TANC2 protein. This variant is not present in population databases (gnomAD no frequency). This variant has not been reported in the literature in individuals affected with TANC2-related conditions. Algorithms developed to predict the effect of sequence changes on RNA splicing suggest that this variant may disrupt the consensus splice site. In summary, the available evidence is currently insufficient to determine the role of this variant in disease. Therefore, it has been classified as a Variant of Uncertain Significance.

NM_001394998.1(TANC2):c.3332-6C>G

Genes: TANC2 (tetratricopeptide repeat, ankyrin repeat and coiled-coil containing 2; plus strand), LOC105371856 (uncharacterized LOC105371856; minus strand). Cytogenetic location: 17q23.3.
Variant type: single nucleotide variant.
Coding change: c.3332-6C>G on transcript NM_001394998.1 (MANE Select); 6 bases into the intron before coding-DNA position 3332, C replaced by G.
Molecular consequence: intron variant.
Genome position (GRCh38, 1-based): chr17:63,405,116, C>G. VCF-style: chr17-63405116-C-G. GRCh37 (hg19) VCF-style: chr17-61482477-C-G.
Other names: c.3110-6C>G (NM_001411076.1, NM_025185.4).
Identifiers: ClinVar variation 4725514 (VCV004725514.1).